The following is an entry in ClinVar:

ClinVar aggregate classification (germline): Likely benign (1 of 4 stars; one submission).

Allele frequency attached by ClinVar (database versions not stated): gnomAD exomes 0.00012; ExAC 0.00034; ESP Exome Variant Server 0.00123; gnomAD 0.00129; TOPMed 0.00148; 1000 Genomes Project 0.00160; 1000 Genomes Project 30x 0.00234.
gnomAD v4.1: 381 of 1,614,002 alleles (0.024%); highest among the groups gnomAD compares: African/African-American, 0.48%; no homozygotes.

Submission:

CeGaT Center for Human Genetics Tuebingen
Classification: Likely benign. Last evaluated: 2024-02-01. Review status: criteria provided, single submitter. Criteria: CeGaT Center For Human Genetics Tuebingen Variant Classification Criteria Version 2. Collection method: clinical testing. Allele origin: germline. Affected: yes. Observed: 1 variant allele.
Comment: SHANK2: BP4, BS1

NM_012309.5(SHANK2):c.4307A>G (p.Asp1436Gly)

Gene: SHANK2 (SH3 and multiple ankyrin repeat domains 2; minus strand). Cytogenetic location: 11q13.3.
Variant type: single nucleotide variant.
Coding change: c.4307A>G on transcript NM_012309.5 (MANE Select); coding-DNA position 4307, A replaced by G.
Protein change: p.Asp1436Gly; replaces aspartic acid 1436 with glycine.
Molecular consequence: missense variant.
Genome position (GRCh38, 1-based): chr11:70,485,986, T>C on the plus strand (A>G on the coding strand, the complement: SHANK2 is on the minus strand). VCF-style: chr11-70485986-T-C. GRCh37 (hg19) VCF-style: chr11-70332091-T-C.
Other names: c.3170A>G, p.Asp1057Gly (NM_001379226.1); c.2543A>G, p.Asp848Gly (NM_133266.5); short protein forms D1057G, D1436G, D848G.
Identifiers: ClinVar variation 3025575 (VCV003025575.22), dbSNP rs138735133, ClinGen allele CA6160941.